The following is an entry in ClinVar:

NM_025137.4(SPG11):c.6460GAG[1] (p.Glu2155del)

Gene: SPG11 (SPG11 vesicle trafficking associated, spatacsin; minus strand). Cytogenetic location: 15q21.1.
Variant type: Microsatellite.
Coding change: c.6460GAG[1] on transcript NM_025137.4 (MANE Select); one copy of the 3-base unit GAG starting at c.6460; the reference has two copies in a row; one copy, 3 bases deleted.
Protein change: p.Glu2155del; deletes glutamic acid 2155.
Genome position (GRCh38, 1-based): chr15:44,570,537-44,570,539, CTC deleted on the plus strand (GAG on the coding strand, the reverse complement: SPG11 is on the minus strand); deleting any 3 consecutive bases within chr15:44,570,537-44,570,542 gives the same sequence; the position shown is the placement nearest the transcript's 3' end. VCF-style (leftmost placement, unchanged base first): chr15-44570536-ACTC-A. GRCh37 (hg19) VCF-style: chr15-44862734-ACTC-A.
Other names: c.6121GAG[1], p.Glu2042del (NM_001160227.2); c.6316GAG[1], p.Glu2107del (NM_001411132.1); short protein forms E2042del, E2155del, E2107del.
Identifiers: ClinVar variation 3683651 (VCV003683651.2).

ClinVar aggregate classification (germline): Uncertain significance (1 of 4 stars; one submission).

Conditions:
Hereditary spastic paraplegia 11. Also called: Spastic paraplegia, mental retardation and thin corpus callosum; SPASTIC PARAPLEGIA, AUTOSOMAL RECESSIVE, COMPLICATED, WITH THIN CORPUS CALLOSUM; SPASTIC PARAPLEGIA, AUTOSOMAL RECESSIVE, WITH MENTAL IMPAIRMENT AND THIN CORPUS CALLOSUM; Spastic Paraplegia 11; Nakamura Osame syndrome; Autosomal recessive hereditary spastic paraplegia, mental impairment, and thin corpus callosum. Identifiers: Orphanet 2822, MedGen C1858479, MONDO:0011445, OMIM 604360.

Submission:

Labcorp Genetics (formerly Invitae), Labcorp
Classification: Uncertain significance for Hereditary spastic paraplegia 11. Last evaluated: 2024-03-21. Review status: criteria provided, single submitter. Criteria: Invitae Variant Classification Sherloc (09022015). Collection method: clinical testing. Allele origin: germline.
Comment: This variant, c.6463_6465del, results in the deletion of 1 amino acid(s) of the SPG11 protein (p.Glu2155del), but otherwise preserves the integrity of the reading frame. This variant is not present in population databases (gnomAD no frequency). This variant has not been reported in the literature in individuals affected with SPG11-related conditions. Experimental studies and prediction algorithms are not available or were not evaluated, and the functional significance of this variant is currently unknown. Algorithms developed to predict the effect of sequence changes on RNA splicing suggest that this variant may disrupt the consensus splice site. In summary, the available evidence is currently insufficient to determine the role of this variant in disease. Therefore, it has been classified as a Variant of Uncertain Significance.